The following is an entry in ClinVar:

ClinVar aggregate classification (germline): Benign (1 of 4 stars; one submission).

Conditions:
Leigh syndrome (NULS). Also called: Leigh's necrotizing encephalopathy; Leigh's disease; Leigh's syndrome; LEIGH SYNDROME, NUCLEAR; Leigh Syndrome (mtDNA deletion); Leigh Disease. Identifiers: Orphanet 506, MedGen C2931891, MONDO:0009723, OMIM 256000.

Submission:

Wong Mito Lab, Molecular and Human Genetics, Baylor College of Medicine
Classification: Benign for Leigh syndrome. Last evaluated: 2019-10-17. Review status: criteria provided, single submitter. Criteria: Modified ACMG Guidelines (Unpublished). Collection method: clinical testing. Allele origin: germline.
Comment: The NC_012920.1:m.15047G>A (YP_003024038.1:p.Gly101Ser) variant in MTCYB gene is interpretated to be a Benign variant based on the modified ACMG guidelines (unpublished). This variant meets the following evidence codes: BS1, BS2

NC_012920.1(MT-CYB):m.15047G>A

Gene: MT-CYB (mitochondrially encoded cytochrome b; plus strand).
Variant type: single nucleotide variant.
Genome position: chrM-15047-G-A.
Identifiers: ClinVar variation 693815 (VCV000693815.1), dbSNP rs1603225043, ClinGen allele CA913172802.